The following is an entry in ClinVar:

NM_005334.3(HCFC1):c.1986C>T (p.Thr662=)

Gene: HCFC1 (host cell factor C1; minus strand). Cytogenetic location: Xq28.
Variant type: single nucleotide variant.
Coding change: c.1986C>T on transcript NM_005334.3 (MANE Select); coding-DNA position 1986, C replaced by T.
Protein change: p.Thr662=; no amino-acid change (threonine 662 retained).
Molecular consequence: synonymous variant.
Genome position (GRCh38, 1-based): chrX:153,958,067, G>A on the plus strand (C>T on the coding strand, the complement: HCFC1 is on the minus strand). VCF-style: chrX-153958067-G-A. GRCh37 (hg19) VCF-style: chrX-153223518-G-A.
Identifiers: ClinVar variation 798126 (VCV000798126.11), dbSNP rs377463848, ClinGen allele CA10557428.

ClinVar aggregate classification (germline): Benign. Review status: criteria provided, single submitter (1 of 4 stars). 2 submissions from 2 submitters: Benign (1). 1 of the submissions does not count toward it. Last evaluated 2026-01-11.

Conditions:
HCFC1-related disorder. Also called: HCFC1-related condition.
Methylmalonic acidemia with homocystinuria, type cblX (MAHCX). Also called: INTELLECTUAL DEVELOPMENTAL DISORDER, X-LINKED 3. Identifiers: Orphanet 369962, MedGen C0796208, MONDO:0010657, OMIM 309541.

Allele frequency attached by ClinVar (database versions not stated): gnomAD exomes 0.00004 and 0.00012; ExAC 0.00008; ESP Exome Variant Server 0.00020; gnomAD 0.00037 and 0.00040; TOPMed 0.00053.
gnomAD v4.1: 83 of 1,210,540 alleles (0.0069%); highest among the groups gnomAD compares: African/African-American, 0.14%; no homozygotes.

Submissions (2):

Labcorp Genetics (formerly Invitae), Labcorp
Classification: Benign for Methylmalonic acidemia with homocystinuria, type cblX. Last evaluated: 2026-01-11. Review status: criteria provided, single submitter. Criteria: Invitae Variant Classification Sherloc (09022015). Collection method: clinical testing. Allele origin: germline.

PreventionGenetics, part of Exact Sciences
Classification: Likely benign for HCFC1-related condition. Last evaluated: 2020-04-21. Review status: no assertion criteria provided. Collection method: clinical testing. Allele origin: germline. Not counted in ClinVar's aggregate classification.
Comment: This variant is classified as likely benign based on ACMG/AMP sequence variant interpretation guidelines (Richards et al. 2015 PMID: 25741868, with internal and published modifications).